The following is an entry in ClinVar:

NM_000748.3(CHRNB2):c.937G>A (p.Val313Ile)

Gene: CHRNB2 (cholinergic receptor nicotinic beta 2 subunit; plus strand). Cytogenetic location: 1q21.3.
Variant type: single nucleotide variant.
Coding change: c.937G>A on transcript NM_000748.3 (MANE Select); coding-DNA position 937, G replaced by A.
Protein change: p.Val313Ile; replaces valine 313 with isoleucine.
Molecular consequence: missense variant.
Genome position (GRCh38, 1-based): chr1:154,571,760, G>A. VCF-style: chr1-154571760-G-A. GRCh37 (hg19) VCF-style: chr1-154544236-G-A.
Other names: short protein forms V313I.
Identifiers: ClinVar variation 954350 (VCV000954350.9), dbSNP rs770557644, ClinGen allele CA1130797.

ClinVar aggregate classification (germline): Uncertain significance (1 of 4 stars; one submission).

Conditions:
Familial sleep-related hypermotor epilepsy. Also called: Autosomal Dominant Sleep-Related Hypermotor (Hyperkinetic) Epilepsy. Identifiers: Orphanet 98784, MedGen C3696898, MONDO:0000030.

Allele frequency attached by ClinVar (database versions not stated): gnomAD exomes below 0.00001; ExAC 0.00001.

Submission:

Labcorp Genetics (formerly Invitae), Labcorp
Classification: Uncertain significance. Last evaluated: 2022-07-23. Review status: criteria provided, single submitter. Criteria: Invitae Variant Classification Sherloc (09022015). Collection method: clinical testing. Allele origin: germline.
Comment: This sequence change replaces valine, which is neutral and non-polar, with isoleucine, which is neutral and non-polar, at codon 313 of the CHRNB2 protein (p.Val313Ile). In summary, the available evidence is currently insufficient to determine the role of this variant in disease. Therefore, it has been classified as a Variant of Uncertain Significance. Advanced modeling of protein sequence and biophysical properties (such as structural, functional, and spatial information, amino acid conservation, physicochemical variation, residue mobility, and thermodynamic stability) performed at Invitae indicates that this missense variant is not expected to disrupt CHRNB2 protein function. ClinVar contains an entry for this variant (Variation ID: 954350). This variant has not been reported in the literature in individuals affected with CHRNB2-related conditions. This variant is not present in population databases (gnomAD no frequency).